The following is an entry in ClinVar:

NM_000222.3(KIT):c.749A>G (p.Asn250Ser)

Gene: KIT (KIT proto-oncogene, receptor tyrosine kinase; plus strand). Cytogenetic location: 4q12.
Variant type: single nucleotide variant.
Coding change: c.749A>G on transcript NM_000222.3 (MANE Select); coding-DNA position 749, A replaced by G.
Protein change: p.Asn250Ser; replaces asparagine 250 with serine.
Molecular consequence: missense variant.
Genome position (GRCh38, 1-based): chr4:54,699,759, A>G. VCF-style: chr4-54699759-A-G. GRCh37 (hg19) VCF-style: chr4-55565925-A-G.
Other names: c.749A>G, p.Asn250Ser (NM_001093772.2, NM_001385284.1, NM_001385285.1 and 4 more transcripts); short protein forms N250S.
Identifiers: ClinVar variation 458965 (VCV000458965.18), dbSNP rs748527429, ClinGen allele CA2923302.

ClinVar aggregate classification (germline): Conflicting classifications of pathogenicity. Review status: criteria provided, conflicting classifications (1 of 4 stars). 5 submissions from 5 submitters: Uncertain significance (3); Likely benign (2). Last evaluated 2026-05-26.

Conditions:
Gastrointestinal stromal tumor. Also called: Gastrointestinal stromal tumor, somatic; Gastrointestinal stroma tumor. Identifiers: Orphanet 44890, MedGen C0238198, MeSH D046152, MONDO:0011719, OMIM 606764, HP:0100723.
Piebaldism. Also called: Piebald skin depigmentation. Identifiers: Orphanet 2884, MedGen C0080024, MONDO:0008244, OMIM 172800, HP:0007544.
Cutaneous mastocytosis. Also called: MASTOCYTOSIS, MACULOPAPULAR CUTANEOUS. Identifiers: Orphanet 66646, MedGen C1136033, MONDO:0019023, OMIM 154800, HP:0200151.
Acute myeloid leukemia (AML). Also called: Leukemia, acute myeloid, somatic; Leukemia, acute myelogenous, somatic; Acute myeloid leukemia, adult; AML adult; Acute non-lymphocytic leukemia; Acute granulocytic leukemia. Identifiers: Orphanet 519, MedGen C0023467, MeSH D015470, MONDO:0018874, OMIM 601626, HP:0004808. Disease mechanism: Constitutively activated FLT3.
Germ cell tumor of testis (TGCT). Also called: Testicular germ cell tumor; GERM CELL TUMOR, SOMATIC. Identifiers: Orphanet 363504, MedGen C1336708, MONDO:0010108, OMIM 273300.
Hereditary cancer-predisposing syndrome. Also called: Neoplastic Syndromes, Hereditary; Hereditary neoplastic syndrome; Hereditary Cancer Syndrome; Tumor predisposition. Identifiers: Orphanet 140162, MedGen C0027672, MeSH D009386, MONDO:0015356.

Allele frequency attached by ClinVar (database versions not stated): ExAC 0.00001; gnomAD 0.00001; gnomAD exomes 0.00002; TOPMed 0.00003.
gnomAD v4.1: 24 of 1,613,580 alleles (0.0015%); highest among the groups gnomAD compares: Admixed American, 0.0033%; no homozygotes.

Submissions (5):

Myriad Genetics, Inc.
Classification: Likely benign for Gastrointestinal stromal tumor. Last evaluated: 2026-05-26. Review status: criteria provided, single submitter. Criteria: Myriad Autosomal Dominant, Autosomal Recessive and X-Linked Classification Criteria (2023). Collection method: clinical testing. Allele origin: unknown.
Comment: This variant is considered likely benign. This variant has been observed at a population frequency that is significantly greater than expected given the associated disease prevalence and penetrance.

Labcorp Genetics (formerly Invitae), Labcorp
Classification: Uncertain significance for Gastrointestinal stromal tumor. Last evaluated: 2026-01-28. Review status: criteria provided, single submitter. Criteria: Invitae Variant Classification Sherloc (09022015). Collection method: clinical testing. Allele origin: germline.
Comment: This sequence change replaces asparagine, which is neutral and polar, with serine, which is neutral and polar, at codon 250 of the KIT protein (p.Asn250Ser). This variant is present in population databases (rs748527429, gnomAD 0.003%). This variant has not been reported in the literature in individuals affected with KIT-related conditions. ClinVar contains an entry for this variant (Variation ID: 458965). An algorithm developed to predict the effect of missense changes on protein structure and function outputs the following: PolyPhen-2: "Benign". The serine amino acid residue is found in multiple mammalian species, which suggests that this missense change does not adversely affect protein function. In summary, the available evidence is currently insufficient to determine the role of this variant in disease. Therefore, it has been classified as a Variant of Uncertain Significance.

Ambry Genetics
Classification: Likely benign for Hereditary cancer-predisposing syndrome. Last evaluated: 2024-03-26. Review status: criteria provided, single submitter. Criteria: Ambry Variant Classification Scheme 2023. Collection method: clinical testing. Allele origin: germline.

Fulgent Genetics
Classification: Uncertain significance for Cutaneous mastocytosis; Piebaldism; Germ cell tumor of testis; Acute myeloid leukemia; Gastrointestinal stromal tumor. Last evaluated: 2024-03-16. Review status: criteria provided, single submitter. Criteria: ACMG Guidelines, 2015. Collection method: clinical testing. Allele origin: germline.

Baylor Genetics
Classification: Uncertain significance for Gastrointestinal stromal tumor. Last evaluated: 2023-12-15. Review status: criteria provided, single submitter. Criteria: ACMG Guidelines, 2015. Collection method: clinical testing. Allele origin: unknown.